The following is an entry in ClinVar:

ClinVar aggregate classification (germline): Benign/Likely benign. Review status: criteria provided, multiple submitters, no conflicts (2 of 4 stars). 3 submissions from 3 submitters: Benign (1); Likely benign (2). Last evaluated 2026-06-08.

Conditions:
Hereditary nonpolyposis colorectal neoplasms. Identifiers: MedGen C0009405, MeSH D003123.
Hereditary cancer-predisposing syndrome. Also called: Neoplastic Syndromes, Hereditary; Hereditary neoplastic syndrome; Hereditary Cancer Syndrome; Tumor predisposition. Identifiers: Orphanet 140162, MedGen C0027672, MeSH D009386, MONDO:0015356.
Lynch syndrome 4 (LYNCH4). Also called: Colorectal cancer, hereditary nonpolyposis, type 4; Hereditary non-polyposis colorectal cancer, type 4. Identifiers: Orphanet 144, MedGen C1838333, MONDO:0013699, OMIM 614337. Disease mechanism: loss of function.

Allele frequency attached by ClinVar (database versions not stated): gnomAD exomes below 0.00001.

Submissions (3):

Ambry Genetics
Classification: Likely benign for Hereditary cancer-predisposing syndrome. Last evaluated: 2026-06-08. Review status: criteria provided, single submitter. Criteria: Ambry Variant Classification Scheme 2023. Collection method: clinical testing. Allele origin: germline.

Myriad Genetics, Inc.
Classification: Benign for Lynch syndrome 4. Last evaluated: 2025-01-30. Review status: criteria provided, single submitter. Criteria: Myriad Autosomal Dominant, Autosomal Recessive and X-Linked Classification Criteria (2023). Collection method: clinical testing. Allele origin: unknown.
Comment: This variant is considered benign. This variant is a silent/synonymous amino acid change and it is not expected to impact splicing.

Labcorp Genetics (formerly Invitae), Labcorp
Classification: Likely benign for Hereditary nonpolyposis colorectal neoplasms. Last evaluated: 2024-07-01. Review status: criteria provided, single submitter. Criteria: Invitae Variant Classification Sherloc (09022015). Collection method: clinical testing. Allele origin: germline.

NM_000535.7(PMS2):c.1389T>G (p.Ser463=)

Gene: PMS2 (PMS1 homolog 2, mismatch repair system component; minus strand). Cytogenetic location: 7p22.1.
Variant type: single nucleotide variant.
Coding change: c.1389T>G on transcript NM_000535.7 (MANE Select); coding-DNA position 1389, T replaced by G.
Protein change: p.Ser463=; no amino-acid change (serine 463 retained).
Molecular consequence: synonymous variant. On other transcripts: non-coding transcript variant (1).
Genome position (GRCh38, 1-based): chr7:5,987,376, A>C on the plus strand (T>G on the coding strand, the complement: PMS2 is on the minus strand). VCF-style: chr7-5987376-A-C. GRCh37 (hg19) VCF-style: chr7-6027007-A-C.
Other names: c.984T>G, p.Ser328= (NM_001322003.2, NM_001322004.2, NM_001322005.2 and 1 more transcripts); c.1233T>G, p.Ser411= (NM_001322006.2); c.1071T>G, p.Ser357= (NM_001322007.2, NM_001322008.2); c.828T>G, p.Ser276= (NM_001322010.2); c.456T>G, p.Ser152= (NM_001322011.2, NM_001322012.2); c.816T>G, p.Ser272= (NM_001322013.2); c.1389T>G, p.Ser463= (NM_001322014.2); c.1080T>G, p.Ser360= (NM_001322015.2).
Identifiers: ClinVar variation 796389 (VCV000796389.7), dbSNP rs1554297811, ClinGen allele CA453746693.
Genomic context (GRCh38, chr7:5,987,376, plus strand): 5'-GTCACTGGGTCCGTGACTGGAACTCACTGCCTCTTTCTGAGGTCTCAGGACGCCTTTGTC[A>C]GAGATGGCACCTGAAGTGCTAGAAGACAGCATACCCCTTTTCTGTCCTAGAGGGCTCCTT-3'
Protein context (NP_000526.2, residues 453-473): MLSSSTSGAI[Ser463=]DKGVLRPQKE